The following is an entry in ClinVar:

NM_005422.4(TECTA):c.1472G>A (p.Arg491His)

Genes: TBCEL-TECTA (TBCEL-TECTA readthrough; plus strand), TECTA (tectorin alpha; plus strand). Cytogenetic location: 11q23.3.
Variant type: single nucleotide variant.
Coding change: c.1472G>A on transcript NM_005422.4 (MANE Select); coding-DNA position 1472, G replaced by A.
Protein change: p.Arg491His; replaces arginine 491 with histidine.
Molecular consequence: missense variant.
Genome position (GRCh38, 1-based): chr11:121,125,570, G>A. VCF-style: chr11-121125570-G-A. GRCh37 (hg19) VCF-style: chr11-120996279-G-A.
Other names: c.2429G>A, p.Arg810His (NM_001378761.1); c.1472G>A (NM_005422.2); short protein forms R491H, R810H.
Identifiers: ClinVar variation 1678370 (VCV001678370.3), dbSNP rs760011660, ClinGen allele CA6326753.

ClinVar aggregate classification (germline): Uncertain significance. Review status: criteria provided, multiple submitters, no conflicts (2 of 4 stars). 2 submissions from 2 submitters: Uncertain significance (2). Last evaluated 2026-08-06.

Allele frequency attached by ClinVar (database versions not stated): gnomAD 0.00003; TOPMed 0.00005.
gnomAD v4.1: 65 of 1,614,038 alleles (0.004%); highest among the groups gnomAD compares: Middle Eastern, 0.066%; no homozygotes.

Submissions (2):

GeneDx
Classification: Uncertain significance. Last evaluated: 2026-08-06. Review status: criteria provided, single submitter. Criteria: GeneDx Variant Classification Process June 2021. Collection method: clinical testing. Allele origin: germline.
Comment: In silico analysis supports that this missense variant has a deleterious effect on protein structure/function; Has not been previously published as pathogenic or benign in association with TECTA-related hearing loss to our knowledge; This variant is associated with the following publications: (PMID: 21520338, 31554319, 9590290, 32368696)

AiLife Diagnostics
Classification: Uncertain significance. Last evaluated: 2021-04-13. Review status: criteria provided, single submitter. Criteria: ACMG Guidelines, 2015. Collection method: clinical testing. Allele origin: germline. Affected: yes. Observed: 1 variant allele.